The following is an entry in ClinVar:

NM_001384732.1(CPLANE1):c.2201A>C (p.Gln734Pro)

Gene: CPLANE1 (ciliogenesis and planar polarity effector complex subunit 1; minus strand). Cytogenetic location: 5p13.2.
Variant type: single nucleotide variant.
Coding change: c.2201A>C on transcript NM_001384732.1 (MANE Select); coding-DNA position 2201, A replaced by C.
Protein change: p.Gln734Pro; replaces glutamine 734 with proline.
Molecular consequence: missense variant.
Genome position (GRCh38, 1-based): chr5:37,226,394, T>G on the plus strand (A>C on the coding strand, the complement: CPLANE1 is on the minus strand). VCF-style: chr5-37226394-T-G. GRCh37 (hg19) VCF-style: chr5-37226496-T-G.
Other names: c.2201A>C, p.Gln734Pro (NM_023073.4); short protein forms Q734P.
Identifiers: ClinVar variation 2021163 (VCV002021163.4), dbSNP rs1232879896, ClinGen allele CA359495203.

ClinVar aggregate classification (germline): Uncertain significance (1 of 4 stars; one submission).

Submission:

Labcorp Genetics (formerly Invitae), Labcorp
Classification: Uncertain significance. Last evaluated: 2022-08-02. Review status: criteria provided, single submitter. Criteria: Invitae Variant Classification Sherloc (09022015). Collection method: clinical testing. Allele origin: germline.
Comment: In summary, the available evidence is currently insufficient to determine the role of this variant in disease. Therefore, it has been classified as a Variant of Uncertain Significance. Advanced modeling of protein sequence and biophysical properties (such as structural, functional, and spatial information, amino acid conservation, physicochemical variation, residue mobility, and thermodynamic stability) performed at Invitae indicates that this missense variant is not expected to disrupt CPLANE1 protein function. This variant has not been reported in the literature in individuals affected with CPLANE1-related conditions. This variant is not present in population databases (gnomAD no frequency). This sequence change replaces glutamine, which is neutral and polar, with proline, which is neutral and non-polar, at codon 734 of the CPLANE1 protein (p.Gln734Pro).